The following is an entry in ClinVar:

NM_001366244.2(GOLGA2):c.682-7C>A

Gene: GOLGA2 (golgin A2; minus strand). Cytogenetic location: 9q34.11.
Variant type: single nucleotide variant.
Coding change: c.682-7C>A on transcript NM_001366244.2 (MANE Select); 7 bases into the intron before coding-DNA position 682, C replaced by A.
Molecular consequence: intron variant.
Genome position (GRCh38, 1-based): chr9:128,266,027, G>T on the plus strand (C>A on the coding strand, the complement: GOLGA2 is on the minus strand). VCF-style: chr9-128266027-G-T. GRCh37 (hg19) VCF-style: chr9-131028306-G-T.
Other names: c.208-7C>A (NM_001389705.2); c.247-7C>A (NM_001389704.2); c.496-7C>A (NM_001389702.2); c.481-7C>A (NM_001389703.2); c.520-7C>A (NM_001389701.2); c.562-7C>A (NM_001389700.2, NM_001389699.2); c.601-7C>A (NM_004486.6, NM_001389697.2, NM_001389698.2 and 1 more transcripts); c.667-7C>A (NM_001389695.2); and 1 more.
Identifiers: ClinVar variation 4985286 (VCV004985286.1).

ClinVar aggregate classification (germline): Likely benign (1 of 4 stars; one submission).

Conditions:
GOLGA2-related disorder. Also called: GOLGA2-related condition.

gnomAD v4.1: 7 of 1,610,634 alleles (0.00043%); highest among the groups gnomAD compares: South Asian, 0.0011%; no homozygotes.

Submission:

PreventionGenetics, part of Exact Sciences
Classification: Likely benign for GOLGA2-related condition. Last evaluated: 2025-01-11. Review status: criteria provided, single submitter. Criteria: ACMG Guidelines, 2015. Collection method: clinical testing. Allele origin: germline.
Comment: This variant is classified as likely benign based on ACMG/AMP sequence variant interpretation guidelines (Richards et al. 2015 PMID: 25741868, with internal and published modifications).